The following is an entry in ClinVar:

NC_000019.10:g.(?_50398842)_(50399494_?)del

Gene: POLD1 (DNA polymerase delta 1, catalytic subunit; plus strand). Cytogenetic location: 19q13.33.
Variant type: Deletion.
Identifiers: ClinVar variation 647458 (VCV000647458.2).

ClinVar aggregate classification (germline): Uncertain significance (1 of 4 stars; one submission).

Conditions:
POLD1-related polyposis and colorectal cancer syndrome (CRCS10). Also called: Colorectal cancer, susceptibility to, 10; Colorectal cancer 10; COLORECTAL CANCER, SUSCEPTIBILITY TO, ON CHROMOSOME 19q. Identifiers: Orphanet 220460, MedGen C2675481, MONDO:0012953, OMIM 612591.

Submission:

Labcorp Genetics (formerly Invitae), Labcorp
Classification: Uncertain significance for Colorectal cancer 10. Last evaluated: 2019-03-12. Review status: criteria provided, single submitter. Criteria: Invitae Variant Classification Sherloc (09022015). Collection method: clinical testing. Allele origin: germline.
Comment: This variant is a gross deletion of the genomic region encompassing exons 2-3 of the POLD1 gene, which includes the initiator codon. An alternate in-frame methionine downstream of the initiator codon is located at codon 161. The 5' end of this event is unknown as it extends beyond the assayed region for this gene and therefore may encompass additional genes. The 3' boundary is likely confined to intron 3 of the POLD1 gene. This is expected to result in an absent or disrupted protein product. Deletions of POLD1 exons 2-3 have not been reported in the literature in individuals with POLD1-related disease. Missense variants that disrupt the 3'-5' exonuclease (proof-reading) activity of the POLD1 protein, while not abolishing its polymerase enzyme activity, are associated with an increased risk for colonic adenomatous polyps and colon cancer (PMID: 23263490, 23447401). Loss-of-function truncating variants, which result in an absent or severely disrupted POLD1 protein, are therefore unlikely to be associated with disease. Without further clinical and genetic evidence, however, this variant has been classified as a Variant of Uncertain Significance.

Literature cited by the submitters: PubMed 23263490; PubMed 23447401.